The following is an entry in ClinVar:

ClinVar aggregate classification (germline): Pathogenic (1 of 4 stars; one submission).

Conditions:
Inborn genetic diseases. Identifiers: MedGen C0950123, MeSH D030342.

Submission:

Ambry Genetics
Classification: Pathogenic for Inborn genetic diseases. Last evaluated: 2025-10-21. Review status: criteria provided, single submitter. Criteria: Ambry Variant Classification Scheme 2023. Collection method: clinical testing. Allele origin: germline.
Comment: The c.1931delC (p.P644Lfs*16) alteration, located in exon 8 (coding exon 5) of the ZNF142 gene, consists of a deletion of one nucleotide at position 1931, causing a translational frameshift with a predicted alternate stop codon after 16 amino acids. This alteration is expected to result in loss of function by premature protein truncation or nonsense-mediated mRNA decay. Based on data from gnomAD, the - allele has an overall frequency of <0.001% (1/249140) total alleles studied. The highest observed frequency was 0.001% (1/112994) of European (non-Finnish) alleles. Based on the available evidence, this alteration is classified as pathogenic.

NM_001379659.1(ZNF142):c.2531del (p.Pro844fs)

Gene: ZNF142 (zinc finger protein 142; minus strand). Cytogenetic location: 2q35.
Variant type: Deletion.
Coding change: c.2531del on transcript NM_001379659.1 (MANE Select); coding-DNA position 2531, one base deleted (C; older notation c.2531delC).
Protein change: p.Pro844fs; shifts the reading frame from proline 844.
Molecular consequence: frameshift variant.
Genome position (GRCh38, 1-based): chr2:218,644,585, G deleted on the plus strand (C on the coding strand, the reverse complement: ZNF142 is on the minus strand); the first of 2 consecutive G bases (chr2:218,644,585-218,644,586); deleting either gives the same sequence. VCF-style (leftmost placement, unchanged base first): chr2-218644584-AG-A. GRCh37 (hg19) VCF-style: chr2-219509307-AG-A.
Other names: c.1930delC, p.Pro644Leufs (NM_001105537.5, NM_001366291.3); c.1441delC, p.Pro481Leufs (NM_001366287.3, NM_001366288.3, NM_001366289.3); c.2531del, p.Pro844fs (NM_001366290.3, NM_001379660.1, NM_001379661.1); c.1931del, p.Pro644fs (NM_001379662.1); short protein forms P844fs, P644fs, P481fs.
Identifiers: ClinVar variation 4635119 (VCV004635119.1).
Genomic context (GRCh38, chr2:218,644,584, plus strand): 5'-GTTGACCTCCTCACTCATCTCTGGCAGGGCCTGGTCCAAGCTGGGGTCCACCACAGTCCC[AG>A]GTTCGTGACCTGGCCCCTCAGGTCGGGCTGACAGCTGGTTTGAGGGCTCTGAATCTGGTG-3'